The following is an entry in ClinVar:

NM_001199138.2(NLRC4):c.1999C>T (p.Arg667Trp)

Gene: NLRC4 (NLR family CARD domain containing 4; minus strand). Cytogenetic location: 2p22.3.
Variant type: single nucleotide variant.
Coding change: c.1999C>T on transcript NM_001199138.2 (MANE Select); coding-DNA position 1999, C replaced by T.
Protein change: p.Arg667Trp; replaces arginine 667 with tryptophan.
Molecular consequence: missense variant. On other transcripts: intron variant (1).
Genome position (GRCh38, 1-based): chr2:32,249,865, G>A on the plus strand (C>T on the coding strand, the complement: NLRC4 is on the minus strand). VCF-style: chr2-32249865-G-A. GRCh37 (hg19) VCF-style: chr2-32474934-G-A.
Other names: c.1999C>T, p.Arg667Trp (NM_001199139.2, NM_021209.5); c.262+2554C>T (NM_001302504.1); short protein forms R667W.
Identifiers: ClinVar variation 450050 (VCV000450050.3), dbSNP rs533005673, ClinGen allele CA44751423.

ClinVar aggregate classification (germline): Uncertain significance. Review status: criteria provided, multiple submitters, no conflicts (2 of 4 stars). 2 submissions from 2 submitters: Uncertain significance (2). Last evaluated 2025-11-12.

Conditions:
Familial cold autoinflammatory syndrome 4 (FCAS4). Identifiers: Orphanet 47045, Orphanet 576349, MedGen C4015276, MONDO:0014498, OMIM 616115.
Periodic fever-infantile enterocolitis-autoinflammatory syndrome. Also called: Autoinflammation with infantile enterocolitis. Identifiers: Orphanet 436166, MedGen C4015067, MONDO:0014472, OMIM 616050.

Allele frequency attached by ClinVar (database versions not stated): gnomAD exomes below 0.00001.
gnomAD v4.1: 3 of 1,614,144 alleles (0.00019%); highest among the groups gnomAD compares: Non-Finnish European, 0.00025%; no homozygotes.

Submissions (2):

Labcorp Genetics (formerly Invitae), Labcorp
Classification: Uncertain significance for Periodic fever-infantile enterocolitis-autoinflammatory syndrome; Familial cold autoinflammatory syndrome 4. Last evaluated: 2025-11-12. Review status: criteria provided, single submitter. Criteria: Invitae Variant Classification Sherloc (09022015). Collection method: clinical testing. Allele origin: germline.
Comment: This sequence change replaces arginine, which is basic and polar, with tryptophan, which is neutral and slightly polar, at codon 667 of the NLRC4 protein (p.Arg667Trp). This variant is not present in population databases (gnomAD no frequency). This variant has not been reported in the literature in individuals affected with NLRC4-related conditions. ClinVar contains an entry for this variant (Variation ID: 450050). Invitae Evidence Modeling of protein sequence and biophysical properties (such as structural, functional, and spatial information, amino acid conservation, physicochemical variation, residue mobility, and thermodynamic stability) indicates that this missense variant is not expected to disrupt NLRC4 protein function with a negative predictive value of 80%. In summary, the available evidence is currently insufficient to determine the role of this variant in disease. Therefore, it has been classified as a Variant of Uncertain Significance.

GeneDx
Classification: Uncertain significance. Last evaluated: 2017-06-26. Review status: criteria provided, single submitter. Criteria: GeneDx Variant Classification (06012015). Collection method: clinical testing. Allele origin: germline. Affected: yes.
Comment: The R667W variant in the NLRC4 gene has not been reported previously as a pathogenic variant, nor as a benign variant, to our knowledge. The R667W variant is not observed in large population cohorts (Lek et al., 2016; 1000 Genomes Consortium et al., 2015; Exome Variant Server). The R667W variant is a non-conservative amino acid substitution, which is likely to impact secondary protein structure as these residues differ in polarity, charge, size and/or other properties. This substitution occurs at a position that is not conserved. In silico analysis is inconsistent in its predictions as to whether or not the variant is damaging to the protein structure/function. We interpret R667W as a variant of uncertain significance.